The following is an entry in ClinVar:

ClinVar aggregate classification (germline): Uncertain significance. Review status: criteria provided, multiple submitters, no conflicts (2 of 4 stars). 2 submissions from 2 submitters: Uncertain significance (2). Last evaluated 2025-09-26.

Conditions:
Inborn genetic diseases. Identifiers: MedGen C0950123, MeSH D030342.

Submissions (2):

Ambry Genetics
Classification: Uncertain significance for Inborn genetic diseases. Last evaluated: 2025-09-26. Review status: criteria provided, single submitter. Criteria: Ambry Variant Classification Scheme 2023. Collection method: clinical testing. Allele origin: germline.
Comment: The p.D855V variant (also known as c.2564A>T), located in coding exon 13 of the ASXL1 gene, results from an A to T substitution at nucleotide position 2564. The aspartic acid at codon 855 is replaced by valine, an amino acid with highly dissimilar properties. This amino acid position is conserved. In addition, this alteration is predicted to be tolerated by in silico analysis. Based on the available evidence, the clinical significance of this variant remains unclear.

Labcorp Genetics (formerly Invitae), Labcorp
Classification: Uncertain significance. Last evaluated: 2023-04-26. Review status: criteria provided, single submitter. Criteria: Invitae Variant Classification Sherloc (09022015). Collection method: clinical testing. Allele origin: germline.
Comment: In summary, the available evidence is currently insufficient to determine the role of this variant in disease. Therefore, it has been classified as a Variant of Uncertain Significance. An algorithm developed to predict the effect of missense changes on protein structure and function (PolyPhen-2) suggests that this variant is likely to be tolerated. This variant has not been reported in the literature in individuals affected with ASXL1-related conditions. This variant is not present in population databases (gnomAD no frequency). This sequence change replaces aspartic acid, which is acidic and polar, with valine, which is neutral and non-polar, at codon 855 of the ASXL1 protein (p.Asp855Val).

NM_015338.6(ASXL1):c.2564A>T (p.Asp855Val)

Gene: ASXL1 (ASXL transcriptional regulator 1; plus strand). Cytogenetic location: 20q11.21.
Variant type: single nucleotide variant.
Coding change: c.2564A>T on transcript NM_015338.6 (MANE Select); coding-DNA position 2564, A replaced by T.
Protein change: p.Asp855Val; replaces aspartic acid 855 with valine.
Molecular consequence: missense variant.
Genome position (GRCh38, 1-based): chr20:32,435,276, A>T. VCF-style: chr20-32435276-A-T. GRCh37 (hg19) VCF-style: chr20-31023079-A-T.
Other names: c.2381A>T, p.Asp794Val (NM_001363734.1); short protein forms D855V, D794V.
Identifiers: ClinVar variation 2847802 (VCV002847802.4), dbSNP rs2145369393, ClinGen allele CA408560220.
Genomic context (GRCh38, chr20:32,435,276, plus strand): 5'-CCACTATGAAGGATCCTGTAAATGTGACCCCCAGTTCCACACCTGAATCCTCACCGACTG[A>T]TTGCCTGCAGAACAGAGCATTTGATGACGAATTAGGGCTTGGTGGCTCATGCCCTCCTAT-3'
Protein context (NP_056153.2, residues 845-865): PSSTPESSPT[Asp855Val]CLQNRAFDDE